The following is an entry in ClinVar:

NM_031220.4(PITPNM3):c.*3685A>C

Gene: PITPNM3 (PITPNM family member 3; minus strand). Cytogenetic location: 17p13.2.
Variant type: single nucleotide variant.
Coding change: c.*3685A>C on transcript NM_031220.4 (MANE Select); 3685 bases downstream of the stop codon, A replaced by C.
Molecular consequence: 3 prime UTR variant.
Genome position (GRCh38, 1-based): chr17:6,451,653, T>G on the plus strand (A>C on the coding strand, the complement: PITPNM3 is on the minus strand). VCF-style: chr17-6451653-T-G. GRCh37 (hg19) VCF-style: chr17-6354973-T-G.
Other names: c.*3685A>C (NM_001165966.2).
Identifiers: ClinVar variation 890894 (VCV000890894.4), dbSNP rs572030994, ClinGen allele CA287339330.
Genomic context (GRCh38, chr17:6,451,653, plus strand): 5'-GTCCCTGTGCACGAGTCGCCCTCCTCTGGCCTGCCCCCCCTCGGGTCACCTGTTTCTCCT[T>G]TGCCCCAAAGAGGGTGGAGTCAAATGCAGATTTTCCTCCCAACTGCCTGTTAGTGTCTCA-3'

ClinVar aggregate classification (germline): Benign (1 of 4 stars; one submission).

Conditions:
Cone-rod dystrophy 5 (CORD5). Identifiers: Orphanet 1872, MedGen C1832976, MONDO:0010969, OMIM 600977.

Allele frequency attached by ClinVar (database versions not stated): 1000 Genomes Project 0.00060; 1000 Genomes Project 30x 0.00078; gnomAD 0.00080 and 0.00083; TOPMed 0.00090.

Submission:

Illumina Laboratory Services, Illumina
Classification: Benign for Cone-rod dystrophy 5. Last evaluated: 2018-01-12. Review status: criteria provided, single submitter. Criteria: ICSL Variant Classification Criteria 13 December 2019. Collection method: clinical testing. Allele origin: germline.
Comment: This variant was observed in the ICSL laboratory as part of a predisposition screen in an ostensibly healthy population. It had not been previously curated by ICSL or reported in the Human Gene Mutation Database (HGMD: prior to June 1st, 2018), and was therefore a candidate for classification through an automated scoring system. Utilizing variant allele frequency, disease prevalence and penetrance estimates, and inheritance mode, an automated score was calculated to assess if this variant is too frequent to cause the disease. Based on the score and internal cut-off values, a variant classified as benign is not then subjected to further curation. The score for this variant resulted in a classification of benign for this disease.